The following is an entry in ClinVar:

NM_198253.3(TERT):c.1452A>G (p.Glu484=)

Gene: TERT (telomerase reverse transcriptase; minus strand). Cytogenetic location: 5p15.33.
Variant type: single nucleotide variant.
Coding change: c.1452A>G on transcript NM_198253.3 (MANE Select); coding-DNA position 1452, A replaced by G.
Protein change: p.Glu484=; no amino-acid change (glutamic acid 484 retained).
Molecular consequence: synonymous variant. On other transcripts: non-coding transcript variant (2).
Genome position (GRCh38, 1-based): chr5:1,293,434, T>C on the plus strand (A>G on the coding strand, the complement: TERT is on the minus strand). VCF-style: chr5-1293434-T-C. GRCh37 (hg19) VCF-style: chr5-1293549-T-C.
Other names: c.1452A>G, p.Glu484= (NM_001193376.3).
Identifiers: ClinVar variation 3388636 (VCV003388636.14).

ClinVar aggregate classification (germline): Likely benign (1 of 4 stars; one submission).

Submission:

CeGaT Center for Human Genetics Tuebingen
Classification: Likely benign. Last evaluated: 2024-09-01. Review status: criteria provided, single submitter. Criteria: CeGaT Center For Human Genetics Tuebingen Variant Classification Criteria Version 2. Collection method: clinical testing. Allele origin: germline. Affected: yes. Observed: 1 variant allele.
Comment: TERT: PM2:Supporting, BP4, BP7